The following is an entry in ClinVar:

ClinVar aggregate classification (germline): Uncertain significance (1 of 4 stars; one submission).

Submission:

Labcorp Genetics (formerly Invitae), Labcorp
Classification: Uncertain significance. Last evaluated: 2024-04-05. Review status: criteria provided, single submitter. Criteria: Invitae Variant Classification Sherloc (09022015). Collection method: clinical testing. Allele origin: germline.
Comment: This sequence change replaces alanine, which is neutral and non-polar, with threonine, which is neutral and polar, at codon 356 of the FOXP1 protein (p.Ala356Thr). This variant is present in population databases (no rsID available, gnomAD 0.0009%). This variant has not been reported in the literature in individuals affected with FOXP1-related conditions. Advanced modeling of protein sequence and biophysical properties (such as structural, functional, and spatial information, amino acid conservation, physicochemical variation, residue mobility, and thermodynamic stability) performed at Invitae indicates that this missense variant is not expected to disrupt FOXP1 protein function with a negative predictive value of 95%. In summary, the available evidence is currently insufficient to determine the role of this variant in disease. Therefore, it has been classified as a Variant of Uncertain Significance.

NM_001349338.3(FOXP1):c.1066G>A (p.Ala356Thr)

Gene: FOXP1 (forkhead box P1; minus strand). Cytogenetic location: 3p13.
Variant type: single nucleotide variant.
Coding change: c.1066G>A on transcript NM_001349338.3 (MANE Select); coding-DNA position 1066, G replaced by A.
Protein change: p.Ala356Thr; replaces alanine 356 with threonine.
Molecular consequence: missense variant. On other transcripts: non-coding transcript variant (2).
Genome position (GRCh38, 1-based): chr3:70,988,074, C>T on the plus strand (G>A on the coding strand, the complement: FOXP1 is on the minus strand). VCF-style: chr3-70988074-C-T. GRCh37 (hg19) VCF-style: chr3-71037225-C-T.
Other names: c.1066G>A, p.Ala356Thr (NM_001244808.3, NM_001244810.2, NM_001244814.3 and 3 more transcripts); c.838G>A, p.Ala280Thr (NM_001244812.3); c.766G>A, p.Ala256Thr (NM_001244813.3, NM_001244815.2, NM_001349342.3 and 1 more transcripts); c.763G>A, p.Ala255Thr (NM_001349337.2, NM_001349343.3, NM_001349344.3); c.1063G>A, p.Ala355Thr (NM_001349341.3); short protein forms A255T, A256T, A280T, A355T, A356T.
Identifiers: ClinVar variation 3629056 (VCV003629056.2).